The following is an entry in ClinVar:

ClinVar aggregate classification (germline): Uncertain significance (1 of 4 stars; one submission).

Conditions:
IFT172-related disorder. Also called: IFT172-related condition; IFT172-related disorders.

Submission:

PreventionGenetics, part of Exact Sciences
Classification: Uncertain significance for IFT172-related condition. Last evaluated: 2025-12-17. Review status: criteria provided, single submitter. Criteria: ACMG Guidelines, 2015. Collection method: clinical testing. Allele origin: germline.
Comment: The IFT172 c.2405T>G variant is predicted to result in the amino acid substitution p.Ile802Ser. To our knowledge, this variant has not been reported in the literature. This variant is reported in 0.0087% of alleles in individuals of Latino descent in gnomAD. At this time, the clinical significance of this variant is uncertain due to the absence of conclusive functional and genetic evidence.

NM_015662.3(IFT172):c.2405T>G (p.Ile802Ser)

Gene: IFT172 (intraflagellar transport 172; minus strand). Cytogenetic location: 2p23.3.
Variant type: single nucleotide variant.
Coding change: c.2405T>G on transcript NM_015662.3 (MANE Select); coding-DNA position 2405, T replaced by G.
Protein change: p.Ile802Ser; replaces isoleucine 802 with serine.
Molecular consequence: missense variant.
Genome position (GRCh38, 1-based): chr2:27,461,306, A>C on the plus strand (T>G on the coding strand, the complement: IFT172 is on the minus strand). VCF-style: chr2-27461306-A-C. GRCh37 (hg19) VCF-style: chr2-27684173-A-C.
Other names: c.2339T>G, p.Ile780Ser (NM_001410739.1); short protein forms I802S, I780S.
Identifiers: ClinVar variation 4978748 (VCV004978748.1).
Genomic context (GRCh38, chr2:27,461,306, plus strand): 5'-CTAGGAAAAGGAAGCCAGCATACCCTTTCGTAGAGTTCCCCCTTGATAAGGGCTGCAGTG[A>C]TGTGTTCTACCAGCTCTGTGTTGGCTAGCAGTTCCTCTCGGGTCAGCACCAGCCGAGCAG-3'
Protein context (NP_056477.1, residues 792-812): LLANTELVEH[Ile802Ser]TAALIKGELY